The following is an entry in ClinVar:

ClinVar aggregate classification (germline): Uncertain significance. Review status: criteria provided, multiple submitters, no conflicts (2 of 4 stars). 2 submissions from 2 submitters: Uncertain significance (2). Last evaluated 2024-12-16.

Conditions:
Inborn genetic diseases. Identifiers: MedGen C0950123, MeSH D030342.

Allele frequency attached by ClinVar (database versions not stated): gnomAD exomes below 0.00001; gnomAD 0.00001; TOPMed 0.00001.
gnomAD v4.1: 6 of 1,572,540 alleles (0.00038%); highest among the groups gnomAD compares: Non-Finnish European, 0.00026%; no homozygotes.

Submissions (2):

Ambry Genetics
Classification: Uncertain significance for Inborn genetic diseases. Last evaluated: 2024-12-16. Review status: criteria provided, single submitter. Criteria: Ambry Variant Classification Scheme 2023. Collection method: clinical testing. Allele origin: germline.

Labcorp Genetics (formerly Invitae), Labcorp
Classification: Uncertain significance. Last evaluated: 2022-03-09. Review status: criteria provided, single submitter. Criteria: Invitae Variant Classification Sherloc (09022015). Collection method: clinical testing. Allele origin: germline.
Comment: This sequence change replaces glutamine, which is neutral and polar, with leucine, which is neutral and non-polar, at codon 371 of the EYS protein (p.Gln371Leu). This variant is present in population databases (rs201021814, gnomAD 0.007%). This variant has not been reported in the literature in individuals affected with EYS-related conditions. Algorithms developed to predict the effect of missense changes on protein structure and function output the following: SIFT: "Tolerated"; PolyPhen-2: "Possibly Damaging"; Align-GVGD: "Class C0". The leucine amino acid residue is found in multiple mammalian species, which suggests that this missense change does not adversely affect protein function. In summary, the available evidence is currently insufficient to determine the role of this variant in disease. Therefore, it has been classified as a Variant of Uncertain Significance.

NM_001142800.2(EYS):c.1112A>T (p.Gln371Leu)

Gene: EYS (eyes shut homolog; minus strand). Cytogenetic location: 6q12.
Variant type: single nucleotide variant.
Coding change: c.1112A>T on transcript NM_001142800.2 (MANE Select); coding-DNA position 1112, A replaced by T.
Protein change: p.Gln371Leu; replaces glutamine 371 with leucine.
Molecular consequence: missense variant.
Genome position (GRCh38, 1-based): chr6:65,402,550, T>A on the plus strand (A>T on the coding strand, the complement: EYS is on the minus strand). VCF-style: chr6-65402550-T-A. GRCh37 (hg19) VCF-style: chr6-66112443-T-A.
Other names: c.1112A>T, p.Gln371Leu (NM_001142801.2, NM_001292009.2, NM_198283.2); c.1112A>T (NM_001142800.1); short protein forms Q371L.
Identifiers: ClinVar variation 2065759 (VCV002065759.2), dbSNP rs201021814, ClinGen allele CA139845045.